The following is an entry in ClinVar:

NM_005445.4(SMC3):c.92-19A>G

Gene: SMC3 (structural maintenance of chromosomes 3; plus strand). Cytogenetic location: 10q25.2.
Variant type: single nucleotide variant.
Coding change: c.92-19A>G on transcript NM_005445.4 (MANE Select); 19 bases into the intron before coding-DNA position 92, A replaced by G.
Molecular consequence: intron variant.
Genome position (GRCh38, 1-based): chr10:110,573,688, A>G. VCF-style: chr10-110573688-A-G. GRCh37 (hg19) VCF-style: chr10-112333446-A-G.
Identifiers: ClinVar variation 259772 (VCV000259772.12), dbSNP rs140102981, ClinGen allele CA5687625.
Genomic context (GRCh38, chr10:110,573,688, plus strand): 5'-GAGTATTTTTAAAAAGGTAAACAGTTTTAATTTTATTGGTTTTTATGTAAAATAACTTGT[A>G]CTTTTTGAAATTTTCCAGTGGGCAGAAATGGATCTGGAAAAAGTAACTTTTTTTATGGTA-3'

ClinVar aggregate classification (germline): Benign/Likely benign. Review status: criteria provided, multiple submitters, no conflicts (2 of 4 stars). 4 submissions from 4 submitters: Benign (1); Likely benign (3). Last evaluated 2026-01-26.

Conditions:
Cornelia de Lange syndrome 3 (CDLS3). Also called: SMC3-Related Cornelia de Lange Syndrome; CORNELIA DE LANGE SYNDROME 3 WITH OR WITHOUT MIDLINE BRAIN DEFECTS. Identifiers: Orphanet 199, MedGen C1853099, MONDO:0012555, OMIM 610759.

Allele frequency attached by ClinVar (database versions not stated): 1000 Genomes Project 0.00060; 1000 Genomes Project 30x 0.00094; TOPMed 0.00150; ExAC 0.00288; ESP Exome Variant Server 0.00293; gnomAD exomes 0.00293 and 0.00315; gnomAD 0.00295 and 0.00310.
gnomAD v4.1: 4,476 of 1,551,154 alleles (0.29%); highest among the groups gnomAD compares: Non-Finnish European, 0.3%; 24 homozygotes.

Submissions (4):

Labcorp Genetics (formerly Invitae), Labcorp
Classification: Benign for Cornelia de Lange syndrome 3. Last evaluated: 2026-01-26. Review status: criteria provided, single submitter. Criteria: Invitae Variant Classification Sherloc (09022015). Collection method: clinical testing. Allele origin: germline.

GeneDx
Classification: Likely benign. Last evaluated: 2019-09-30. Review status: criteria provided, single submitter. Criteria: GeneDx Variant Classification Process June 2021. Collection method: clinical testing. Allele origin: germline. Affected: yes.
Comment: See Variant Classification Assertion Criteria.

Breakthrough Genomics
Classification: Likely benign. Review status: criteria provided, single submitter. Criteria: ACMG Guidelines, 2015. Collection method: not provided. Allele origin: germline. Inheritance: Autosomal dominant inheritance. Affected: yes.

PreventionGenetics, part of Exact Sciences
Classification: Likely benign. Review status: criteria provided, single submitter. Criteria: ACMG Guidelines, 2015. Collection method: clinical testing. Allele origin: germline.